The following is an entry in ClinVar:

ClinVar aggregate classification (germline): Uncertain significance (1 of 4 stars; one submission).

Conditions:
Hereditary cancer-predisposing syndrome. Also called: Tumor predisposition; Hereditary Cancer Syndrome; Hereditary neoplastic syndrome; Neoplastic Syndromes, Hereditary. Identifiers: Orphanet 140162, MedGen C0027672, MeSH D009386, MONDO:0015356.

Submission:

Ambry Genetics
Classification: Uncertain significance for Hereditary cancer-predisposing syndrome. Last evaluated: 2024-04-12. Review status: criteria provided, single submitter. Criteria: Ambry Variant Classification Scheme 2023. Collection method: clinical testing. Allele origin: germline.
Comment: The p.V1147E variant (also known as c.3440T>A), located in coding exon 21 of the ALK gene, results from a T to A substitution at nucleotide position 3440. The valine at codon 1147 is replaced by glutamic acid, an amino acid with dissimilar properties. This amino acid position is conserved. In addition, this alteration is predicted to be deleterious by in silico analysis. Based on the available evidence, the clinical significance of this variant remains unclear.

NM_004304.5(ALK):c.3440T>A (p.Val1147Glu)

Gene: ALK (ALK receptor tyrosine kinase; minus strand). Cytogenetic location: 2p23.2.
Variant type: single nucleotide variant.
Coding change: c.3440T>A on transcript NM_004304.5 (MANE Select); coding-DNA position 3440, T replaced by A.
Protein change: p.Val1147Glu; replaces valine 1147 with glutamic acid.
Molecular consequence: missense variant.
Genome position (GRCh38, 1-based): chr2:29,222,527, A>T on the plus strand (T>A on the coding strand, the complement: ALK is on the minus strand). VCF-style: chr2-29222527-A-T. GRCh37 (hg19) VCF-style: chr2-29445393-A-T.
Other names: c.236T>A, p.Val79Glu (NM_001353765.2); short protein forms V79E, V1147E.
Identifiers: ClinVar variation 3285885 (VCV003285885.1).
Genomic context (GRCh38, chr2:29,222,527, plus strand): 5'-CTACAGAGTCCGCAAGCCAAGGGCAGGCTCAAGAGTGAGCCACTTCTTACCTTCACAGCC[A>T]CTTGCAGGGGGCTTGGGTCGTTGGGCATTCCGGACACCTGGCCTTCATACACCTCCCCAA-3'
Protein context (NP_004295.2, residues 1137-1157): GMPNDPSPLQ[Val1147Glu]AVKTLPEVCS